The following is an entry in ClinVar:

ClinVar aggregate classification (germline): Likely pathogenic (1 of 4 stars; one submission).

Conditions:
Werner syndrome (WRN). Identifiers: Orphanet 902, MedGen C0043119, MONDO:0010196, OMIM 277700.

Submission:

Labcorp Genetics (formerly Invitae), Labcorp
Classification: Likely pathogenic for Werner syndrome. Last evaluated: 2022-03-25. Review status: criteria provided, single submitter. Criteria: Invitae Variant Classification Sherloc (09022015). Collection method: clinical testing. Allele origin: germline.
Comment: In summary, the currently available evidence indicates that the variant is pathogenic, but additional data are needed to prove that conclusively. Therefore, this variant has been classified as Likely Pathogenic. Algorithms developed to predict the effect of sequence changes on RNA splicing suggest that this variant may disrupt the consensus splice site. This variant has not been reported in the literature in individuals affected with WRN-related conditions. This variant is not present in population databases (gnomAD no frequency). This sequence change affects a donor splice site in intron 18 of the WRN gene. It is expected to disrupt RNA splicing. Variants that disrupt the donor or acceptor splice site typically lead to a loss of protein function (PMID: 16199547), and loss-of-function variants in WRN are known to be pathogenic (PMID: 16673358).

Literature cited by the submitters: PubMed 16199547; PubMed 16673358.

NM_000553.6(WRN):c.2088+1G>T

Gene: WRN (WRN RecQ like helicase; plus strand). Cytogenetic location: 8p12.
Variant type: single nucleotide variant.
Coding change: c.2088+1G>T on transcript NM_000553.6 (MANE Select); the canonical splice donor site of the intron after coding-DNA position 2088, G replaced by T.
Molecular consequence: splice donor variant.
Genome position (GRCh38, 1-based): chr8:31,100,956, G>T. VCF-style: chr8-31100956-G-T. GRCh37 (hg19) VCF-style: chr8-30958472-G-T.
Identifiers: ClinVar variation 1954389 (VCV001954389.5), dbSNP rs2535951148, ClinGen allele CA370909068.